The following is an entry in ClinVar:

ClinVar aggregate classification (germline): Uncertain significance. Review status: criteria provided, multiple submitters, no conflicts (2 of 4 stars). 2 submissions from 2 submitters: Uncertain significance (2). Last evaluated 2025-04-23.

Allele frequency attached by ClinVar (database versions not stated): gnomAD 0.00003 and 0.00004; TOPMed 0.00010.
gnomAD v4.1: 28 of 1,610,606 alleles (0.0017%); highest among the groups gnomAD compares: Admixed American, 0.0067%; no homozygotes.

Submissions (2):

Labcorp Genetics (formerly Invitae), Labcorp
Classification: Uncertain significance. Last evaluated: 2025-04-23. Review status: criteria provided, single submitter. Criteria: Invitae Variant Classification Sherloc (09022015). Collection method: clinical testing. Allele origin: germline.
Comment: This sequence change replaces arginine, which is basic and polar, with glycine, which is neutral and non-polar, at codon 332 of the MMP9 protein (p.Arg332Gly). This variant is present in population databases (rs200477815, gnomAD 0.007%). This variant has not been reported in the literature in individuals affected with MMP9-related conditions. ClinVar contains an entry for this variant (Variation ID: 1363910). Invitae Evidence Modeling of protein sequence and biophysical properties (such as structural, functional, and spatial information, amino acid conservation, physicochemical variation, residue mobility, and thermodynamic stability) indicates that this missense variant is not expected to disrupt MMP9 protein function with a negative predictive value of 80%. In summary, the available evidence is currently insufficient to determine the role of this variant in disease. Therefore, it has been classified as a Variant of Uncertain Significance.

Ambry Genetics
Classification: Uncertain significance. Last evaluated: 2024-01-17. Review status: criteria provided, single submitter. Criteria: Ambry Variant Classification Scheme 2023. Collection method: clinical testing. Allele origin: germline.

NM_004994.3(MMP9):c.994C>G (p.Arg332Gly)

Gene: MMP9 (matrix metallopeptidase 9; plus strand). Cytogenetic location: 20q13.12.
Variant type: single nucleotide variant.
Coding change: c.994C>G on transcript NM_004994.3 (MANE Select); coding-DNA position 994, C replaced by G.
Protein change: p.Arg332Gly; replaces arginine 332 with glycine.
Molecular consequence: missense variant.
Genome position (GRCh38, 1-based): chr20:46,011,744, C>G. VCF-style: chr20-46011744-C-G. GRCh37 (hg19) VCF-style: chr20-44640383-C-G.
Other names: c.994C>G (NM_004994.2); short protein forms R332G.
Identifiers: ClinVar variation 1363910 (VCV001363910.9), dbSNP rs200477815, ClinGen allele CA9886580.
Genomic context (GRCh38, chr20:46,011,744, plus strand): 5'-CGCTGGTGCGCCACCACCGCCAACTACGACCGGGACAAGCTCTTCGGCTTCTGCCCGACC[C>G]GAGGTACCTCCACCCTGTCTACCAGGTTCAGCCCCGCCCTCTCATCATGTATTGGCCCCC-3'
Protein context (NP_004985.2, residues 322-342): RDKLFGFCPT[Arg332Gly]ADSTVMGGNS